The following is an entry in ClinVar:

ClinVar aggregate classification (germline): Uncertain significance (1 of 4 stars; one submission).

gnomAD v4.1: 2 of 1,612,874 alleles (0.00012%); highest among the groups gnomAD compares: South Asian, 0.0011%; no homozygotes.

Submission:

GeneDx
Classification: Uncertain significance. Last evaluated: 2022-12-23. Review status: criteria provided, single submitter. Criteria: GeneDx Variant Classification Process June 2021. Collection method: clinical testing. Allele origin: germline. Affected: yes.
Comment: Not observed at significant frequency in large population cohorts (gnomAD); In silico analysis supports that this missense variant has a deleterious effect on protein structure/function; Has not been previously published as pathogenic or benign to our knowledge

NM_001127222.2(CACNA1A):c.1231G>C (p.Gly411Arg)

Gene: CACNA1A (calcium voltage-gated channel subunit alpha1 A; minus strand). Cytogenetic location: 19p13.13.
Variant type: single nucleotide variant.
Coding change: c.1231G>C on transcript NM_001127222.2 (MANE Select); coding-DNA position 1231, G replaced by C.
Protein change: p.Gly411Arg; replaces glycine 411 with arginine.
Molecular consequence: missense variant.
Genome position (GRCh38, 1-based): chr19:13,332,893, C>G on the plus strand (G>C on the coding strand, the complement: CACNA1A is on the minus strand). VCF-style: chr19-13332893-C-G. GRCh37 (hg19) VCF-style: chr19-13443707-C-G.
Other names: c.1231G>C, p.Gly411Arg (NM_000068.4, NM_001127221.2, NM_001174080.2 and 1 more transcripts); short protein forms G411R.
Identifiers: ClinVar variation 2506631 (VCV002506631.1), dbSNP rs1448345243, ClinGen allele CA404346302.
Genomic context (GRCh38, chr19:13,332,893, plus strand): 5'-TGGGACCCACCCCTGAGGTGGGTTTAGAGCAGTTACCATCAAAGGGATGCCTCTGCTCCC[C>G]GTCAGTTTCATCCTCGGCGAGGATCACCTCTTCTGAAGAGGAAGAGCACAGAGTTAAGCT-3'
Protein context (NP_001120694.1, residues 401-421): EVILAEDETD[Gly411Arg]EQRHPFDALR